The following is an entry in ClinVar:

NM_000093.5(COL5A1):c.5026G>C (p.Gly1676Arg)

Genes: COL5A1 (collagen type V alpha 1 chain; plus strand), LOC101448202 (uncharacterized LOC101448202; minus strand). Cytogenetic location: 9q34.3.
Variant type: single nucleotide variant.
Coding change: c.5026G>C on transcript NM_000093.5 (MANE Select); coding-DNA position 5026, G replaced by C.
Protein change: p.Gly1676Arg; replaces glycine 1676 with arginine.
Molecular consequence: missense variant.
Genome position (GRCh38, 1-based): chr9:134,825,863, G>C. VCF-style: chr9-134825863-G-C. GRCh37 (hg19) VCF-style: chr9-137717709-G-C.
Other names: p.G1676R:GGG>CGG; c.5026G>C, p.Gly1676Arg (NM_001278074.1); short protein forms G1676R.
Identifiers: ClinVar variation 212996 (VCV000212996.13), dbSNP rs368448060, ClinGen allele CA320511.
Genomic context (GRCh38, chr9:134,825,863, plus strand): 5'-GTCGATCCTAACCAAGGATGCTCCAGGGATTCCTTCAAGGTTTACTGCAACTTCACAGCC[G>C]GGGGGTCGACATGCGTCTTCCCTGACAAGAAGTCCGAAGGGGTGAGTAGCTGTGTCCCTC-3'
Protein context (NP_000084.3, residues 1666-1686): SFKVYCNFTA[Gly1676Arg]GSTCVFPDKK

ClinVar aggregate classification (germline): Uncertain significance. Review status: criteria provided, multiple submitters, no conflicts (2 of 4 stars). 4 submissions from 4 submitters: Uncertain significance (4). Last evaluated 2024-11-22.

Conditions:
Ehlers-Danlos syndrome, classic type, 1 (EDSCL1). Also called: Ehlers-Danlos Syndrome, Classic Type, COL5A1-Related; EHLERS-DANLOS SYNDROME, GRAVIS TYPE; EHLERS-DANLOS SYNDROME, SEVERE CLASSIC TYPE; Ehlers-Danlos syndrome, type 1; EDS I. Identifiers: MedGen C0268335, MONDO:0019567, OMIM 130000.
Familial thoracic aortic aneurysm and aortic dissection (TAAD). Also called: Thoracic aortic aneurysms and dissections. Identifiers: Orphanet 91387, MedGen C4707243, MONDO:0019625.

Allele frequency attached by ClinVar (database versions not stated): gnomAD 0.00003; TOPMed 0.00001; ESP Exome Variant Server 0.00008.

Submissions (4):

Labcorp Genetics (formerly Invitae), Labcorp
Classification: Uncertain significance for Ehlers-Danlos syndrome, classic type, 1. Last evaluated: 2024-11-22. Review status: criteria provided, single submitter. Criteria: Invitae Variant Classification Sherloc (09022015). Collection method: clinical testing. Allele origin: germline.
Comment: This sequence change replaces glycine, which is neutral and non-polar, with arginine, which is basic and polar, at codon 1676 of the COL5A1 protein (p.Gly1676Arg). This variant is present in population databases (rs368448060, gnomAD 0.02%). This variant has not been reported in the literature in individuals affected with COL5A1-related conditions. ClinVar contains an entry for this variant (Variation ID: 212996). Invitae Evidence Modeling of protein sequence and biophysical properties (such as structural, functional, and spatial information, amino acid conservation, physicochemical variation, residue mobility, and thermodynamic stability) has been performed for this missense variant. However, the output from this modeling did not meet the statistical confidence thresholds required to predict the impact of this variant on COL5A1 protein function. In summary, the available evidence is currently insufficient to determine the role of this variant in disease. Therefore, it has been classified as a Variant of Uncertain Significance.

Ambry Genetics
Classification: Uncertain significance for Familial thoracic aortic aneurysm and aortic dissection. Last evaluated: 2024-06-11. Review status: criteria provided, single submitter. Criteria: Ambry Variant Classification Scheme 2023. Collection method: clinical testing. Allele origin: germline.
Comment: The p.G1676R variant (also known as c.5026G>C), located in coding exon 63 of the COL5A1 gene, results from a G to C substitution at nucleotide position 5026. The glycine at codon 1676 is replaced by arginine, an amino acid with dissimilar properties. This amino acid position is highly conserved in available vertebrate species. In addition, the in silico prediction for this alteration is inconclusive. Based on the available evidence, the clinical significance of this variant remains unclear.

GeneDx
Classification: Uncertain significance. Last evaluated: 2022-05-19. Review status: criteria provided, single submitter. Criteria: GeneDx Variant Classification Process June 2021. Collection method: clinical testing. Allele origin: germline. Affected: yes.
Comment: Has not been previously published as pathogenic or benign to our knowledge; Not located in the triple helical region, where the majority of pathogenic missense variants occur (Symoens et al., 2012; Stenson et al., 2014); In silico analysis supports that this missense variant has a deleterious effect on protein structure/function; This variant is associated with the following publications: (PMID: 22696272)

Eurofins Ntd Llc (ga)
Classification: Uncertain significance. Last evaluated: 2017-01-05. Review status: criteria provided, single submitter. Criteria: EGL Classification Definitions 2015. Collection method: clinical testing. Allele origin: germline. Observed: 1 variant allele, 1 heterozygote.